The following is an entry in ClinVar:

ClinVar aggregate classification (germline): Uncertain significance (1 of 4 stars; one submission).

Conditions:
BLK-related disorder. Also called: BLK-related condition.

Submission:

PreventionGenetics, part of Exact Sciences
Classification: Uncertain significance for BLK-related condition. Last evaluated: 2022-11-28. Review status: criteria provided, single submitter. Criteria: ACMG Guidelines, 2015. Collection method: clinical testing. Allele origin: germline.
Comment: The BLK c.176A>G variant is predicted to result in the amino acid substitution p.Asp59Gly. To our knowledge, this variant has not been reported in the literature or in a large population database, indicating this variant is rare. At this time, the clinical significance of this variant is uncertain due to the absence of conclusive functional and genetic evidence.

NM_001715.3(BLK):c.176A>G (p.Asp59Gly)

Gene: BLK (BLK proto-oncogene, Src family tyrosine kinase). Cytogenetic location: 8p23.1.
Variant type: single nucleotide variant.
Coding change: c.176A>G on transcript NM_001715.3 (MANE Select); coding-DNA position 176, A replaced by G.
Protein change: p.Asp59Gly; replaces aspartic acid 59 with glycine.
Molecular consequence: missense variant. On other transcripts: 5 prime UTR variant (1).
Genome position (GRCh38, 1-based): chr8:11,548,032, A>G. VCF-style: chr8-11548032-A-G. GRCh37 (hg19) VCF-style: chr8-11405541-A-G.
Other names: c.-38A>G (NM_001330465.2); short protein forms D59G.
Identifiers: ClinVar variation 2628799 (VCV002628799.1), dbSNP rs2486367798, ClinGen allele CA370311430.